The following is an entry in ClinVar:

ClinVar aggregate classification (germline): Likely pathogenic (1 of 4 stars; one submission).

Submission:

Labcorp Genetics (formerly Invitae), Labcorp
Classification: Likely pathogenic. Last evaluated: 2022-07-12. Review status: criteria provided, single submitter. Criteria: Invitae Variant Classification Sherloc (09022015). Collection method: clinical testing. Allele origin: germline.
Comment: This sequence change affects an acceptor splice site in intron 1 of the LRP2 gene. It is expected to disrupt RNA splicing. Variants that disrupt the donor or acceptor splice site typically lead to a loss of protein function (PMID: 16199547), and loss-of-function variants in LRP2 are known to be pathogenic (PMID: 17632512, 25682901). In summary, the currently available evidence indicates that the variant is pathogenic, but additional data are needed to prove that conclusively. Therefore, this variant has been classified as Likely Pathogenic. This variant is not present in population databases (gnomAD no frequency). This variant has not been reported in the literature in individuals affected with LRP2-related conditions. ClinVar contains an entry for this variant (Variation ID: 1472229). Algorithms developed to predict the effect of sequence changes on RNA splicing suggest that this variant may disrupt the consensus splice site.

Literature cited by the submitters: PubMed 16199547; PubMed 17632512; PubMed 25682901.

NM_004525.3(LRP2):c.80-2A>C

Gene: LRP2 (LDL receptor related protein 2; minus strand). Cytogenetic location: 2q31.1.
Variant type: single nucleotide variant.
Coding change: c.80-2A>C on transcript NM_004525.3 (MANE Select); the canonical splice acceptor site of the intron before coding-DNA position 80, A replaced by C.
Molecular consequence: splice acceptor variant.
Genome position (GRCh38, 1-based): chr2:169,320,886, T>G on the plus strand (A>C on the coding strand, the complement: LRP2 is on the minus strand). VCF-style: chr2-169320886-T-G. GRCh37 (hg19) VCF-style: chr2-170177396-T-G.
Identifiers: ClinVar variation 1472229 (VCV001472229.8), dbSNP rs2105516384, ClinGen allele CA349175027.